The following is an entry in ClinVar:

ClinVar aggregate classification (germline): Pathogenic. Review status: criteria provided, multiple submitters, no conflicts (2 of 4 stars). 9 submissions from 8 submitters: Pathogenic (8). 1 of the submissions does not count toward it. Last evaluated 2025-07-30.

Conditions:
DYRK1A-related disorder.
DYRK1A-related intellectual disability syndrome (MRD7). Also called: DYRK1A Syndrome; Intellectual developmental disorder, autosomal dominant 7. Identifiers: Orphanet 464306, MedGen C5568143, MONDO:0013578, OMIM 614104.

Submissions (9):

3billion
Classification: Pathogenic for DYRK1A-related intellectual disability syndrome. Last evaluated: 2025-07-30. Review status: criteria provided, single submitter. Criteria: ACMG Guidelines, 2015. Collection method: clinical testing. Allele origin: germline. Affected: yes.
Comment: The variant is not observed in the gnomAD v4.1.0 dataset. Predicted Consequence/Location: Stop-gained (nonsense): predicted to result in a loss or disruption of normal protein function through nonsense-mediated decay (NMD) or protein truncation. Multiple pathogenic variants are reported downstream of the variant. The variant has been reported at least twice as pathogenic with clinical assertions and evidence for the classification (ClinVar ID: VCV000204005 /PMID: 25944381). Therefore, this variant is classified as Pathogenic according to the recommendation of ACMG/AMP guideline.

Labcorp Genetics (formerly Invitae), Labcorp
Classification: Pathogenic for DYRK1A-related intellectual disability syndrome. Last evaluated: 2023-07-16. Review status: criteria provided, single submitter. Criteria: Invitae Variant Classification Sherloc (09022015). Collection method: clinical testing. Allele origin: germline.
Comment: This variant is not present in population databases (gnomAD no frequency). For these reasons, this variant has been classified as Pathogenic. ClinVar contains an entry for this variant (Variation ID: 204005). This premature translational stop signal has been observed in individual(s) with DYRK1A-related conditions (PMID: 25944381). In at least one individual the variant was observed to be de novo. This sequence change creates a premature translational stop signal (p.Arg467*) in the DYRK1A gene. It is expected to result in an absent or disrupted protein product. Loss-of-function variants in DYRK1A are known to be pathogenic (PMID: 25944381).

GeneDx
Classification: Pathogenic. Last evaluated: 2022-10-03. Review status: criteria provided, single submitter. Criteria: GeneDx Variant Classification Process June 2021. Collection method: clinical testing. Allele origin: germline. Affected: yes.
Comment: Nonsense variant predicted to result in protein truncation or nonsense mediated decay in a gene for which loss-of-function is a known mechanism of disease; Not observed at significant frequency in large population cohorts (gnomAD); This variant is associated with the following publications: (PMID: 34345024, 26633545, 31263215, 25944381, 31216405, 30831192)

Genomic Medicine Lab, University of California San Francisco
Classification: Pathogenic for DYRK1A-related intellectual disability syndrome. Last evaluated: 2020-08-27. Review status: criteria provided, single submitter. Criteria: ACMG Guidelines, 2015. Collection method: clinical testing. Allele origin: de novo. Inheritance: Autosomal dominant inheritance. Affected: yes. Study: CSER-P3EGS.

UCLA Clinical Genomics Center, UCLA
Classification: Pathogenic for Mental retardation, autosomal dominant 7. Last evaluated: 2014-09-15. Review status: criteria provided, single submitter. Criteria: Submitter's publication. Collection method: clinical testing. Allele origin: de novo. Inheritance: Autosomal dominant inheritance. Affected: yes. Study: DYRK1A Haploinsufficiency Syndrome.

Baylor Genetics
Classification: Pathogenic for Mental retardation, autosomal dominant 7. Last evaluated: 2012-10-28. Review status: criteria provided, single submitter. Criteria: Yang et al. 2013. Collection method: clinical testing. Allele origin: de novo. Inheritance: Autosomal dominant inheritance. Affected: yes. Observed: 1 variant allele, 1 heterozygote. Study: Adult_WES.

Genomic Medicine Lab, University of California San Francisco
Classification: Pathogenic for DYRK1A-related intellectual disability syndrome. Review status: criteria provided, single submitter. Criteria: ACMG Guidelines, 2015. Collection method: clinical testing. Allele origin: de novo. Study: CSER.

Rady Children's Institute for Genomic Medicine, Rady Children's Hospital San Diego
Classification: Pathogenic for DYRK1A-related disorder. Review status: criteria provided, single submitter. Criteria: ACMG Guidelines, 2015. Collection method: clinical testing. Allele origin: germline. Affected: yes. Study: CSER-NYCKidSeq.
Comment: This nonsense variant occurs in exon 9 of 11 and is predicted to result in loss of normal protein function through either protein truncation or nonsense-mediated mRNA decay (NMD). This variant has been previously identified in multiple individuals with developmental regression, microcephaly, intellectual disability, global developmental delay, severe speech delay, seizures, feeding difficulties, and autism spectrum disorder (PMID: 26677511, 30831192, 25944381). Loss-of-function variation is an established mechanism of disease for DYRK1A-related disorders (PMID: 26677511). The c.1399C>T (p.Arg467Ter) variant is absent from the gnomAD population database and thus is presumed to be rare. Based on the available evidence, the c.1399C>T (p.Arg467Ter) variant is classified as Pathogenic.

Service de Génétique Moléculaire, Hôpital Robert Debré
Classification: Pathogenic for DYRK1A-related intellectual disability syndrome. Review status: no assertion criteria provided. Collection method: clinical testing. Allele origin: unknown. Affected: yes. Not counted in ClinVar's aggregate classification.

Literature cited by the submitters: PubMed 25944381 (cited by 3billion and Labcorp Genetics (formerly Invitae), Labcorp); PubMed 26633545 (cited by Baylor Genetics).

NM_001347721.2(DYRK1A):c.1372C>T (p.Arg458Ter)

Gene: DYRK1A (dual specificity tyrosine phosphorylation regulated kinase 1A; plus strand). Cytogenetic location: 21q22.13.
Variant type: single nucleotide variant.
Coding change: c.1372C>T on transcript NM_001347721.2 (MANE Select); coding-DNA position 1372, C replaced by T.
Protein change: p.Arg458Ter; replaces arginine 458 with a stop codon.
Molecular consequence: nonsense.
Genome position (GRCh38, 1-based): chr21:37,505,442, C>T. VCF-style: chr21-37505442-C-T. GRCh37 (hg19) VCF-style: chr21-38877745-C-T.
Other names: c.1372C>T, p.Arg458Ter (NM_130436.2, NM_001347722.2); c.1399C>T, p.Arg467Ter (NM_130438.2, NM_001396.5, NM_101395.2); c.1285C>T, p.Arg429Ter (NM_001347723.2); short protein forms R467*, R458*, R429*.
Identifiers: ClinVar variation 204005 (VCV000204005.16), dbSNP rs797044520, ClinGen allele CA278526.